The following is an entry in ClinVar:

ClinVar aggregate classification (germline): Uncertain significance (1 of 4 stars; one submission).

Conditions:
Charcot-Marie-Tooth disease axonal type 2O. Also called: Charcot-Marie-Tooth Neuropathy Type 2O; Charcot-Marie-Tooth disease, axonal, type 20; CHARCOT-MARIE-TOOTH NEUROPATHY, AXONAL, TYPE 2O; CHARCOT-MARIE-TOOTH DISEASE, AXONAL, AUTOSOMAL DOMINANT, TYPE 2O. Identifiers: Orphanet 284232, MedGen C3280220, MONDO:0013644, OMIM 614228.

Submission:

Labcorp Genetics (formerly Invitae), Labcorp
Classification: Uncertain significance for Charcot-Marie-Tooth disease axonal type 2O. Last evaluated: 2020-02-14. Review status: criteria provided, single submitter. Criteria: Invitae Variant Classification Sherloc (09022015). Collection method: clinical testing. Allele origin: germline.
Comment: This sequence change replaces aspartic acid with valine at codon 90 of the DYNC1H1 protein (p.Asp90Val). The aspartic acid residue is moderately conserved and there is a large physicochemical difference between aspartic acid and valine. This variant is not present in population databases (ExAC no frequency). This variant has not been reported in the literature in individuals with DYNC1H1-related conditions. Algorithms developed to predict the effect of missense changes on protein structure and function are either unavailable or do not agree on the potential impact of this missense change (SIFT: "Deleterious"; PolyPhen-2: "Benign"; Align-GVGD: "Class C0"). In summary, the available evidence is currently insufficient to determine the role of this variant in disease. Therefore, it has been classified as a Variant of Uncertain Significance.

NM_001376.5(DYNC1H1):c.269A>T (p.Asp90Val)

Gene: DYNC1H1 (dynein cytoplasmic 1 heavy chain 1; plus strand). Cytogenetic location: 14q32.31.
Variant type: single nucleotide variant.
Coding change: c.269A>T on transcript NM_001376.5 (MANE Select); coding-DNA position 269, A replaced by T.
Protein change: p.Asp90Val; replaces aspartic acid 90 with valine.
Molecular consequence: missense variant.
Genome position (GRCh38, 1-based): chr14:101,975,724, A>T. VCF-style: chr14-101975724-A-T. GRCh37 (hg19) VCF-style: chr14-102442061-A-T.
Other names: short protein forms D90V.
Identifiers: ClinVar variation 1057520 (VCV001057520.9), dbSNP rs2141266676, ClinGen allele CA391006118.